The following is an entry in ClinVar:

ClinVar aggregate classification (germline): Likely benign. Review status: criteria provided, multiple submitters, no conflicts (2 of 4 stars). 4 submissions from 4 submitters: Likely benign (4). Last evaluated 2025-08-30.

Conditions:
Developmental and epileptic encephalopathy, 36 (DEE36). Also called: ALG13-CDG; Epileptic encephalopathy, early infantile, 36; Congenital disorder of glycosylation, type Is. Identifiers: Orphanet 324422, MedGen C4317295, MONDO:0010472, OMIM 300884.

Allele frequency attached by ClinVar (database versions not stated): gnomAD 0.00002; gnomAD exomes 0.00003 and 0.00005; ExAC 0.00006; TOPMed 0.00009.
gnomAD v4.1: 36 of 1,134,649 alleles (0.0032%); highest among the groups gnomAD compares: Middle Eastern, 0.025%; no homozygotes.

Submissions (4):

Labcorp Genetics (formerly Invitae), Labcorp
Classification: Likely benign for Developmental and epileptic encephalopathy, 36. Last evaluated: 2025-08-30. Review status: criteria provided, single submitter. Criteria: Invitae Variant Classification Sherloc (09022015). Collection method: clinical testing. Allele origin: germline.

Mayo Clinic Laboratories, Mayo Clinic
Classification: Likely benign. Last evaluated: 2024-11-04. Review status: criteria provided, single submitter. Criteria: ACMG Guidelines, 2015. Collection method: clinical testing. Allele origin: germline. Observed: 1 variant allele.
Comment: BP4, BP7

Fulgent Genetics
Classification: Likely benign for Developmental and epileptic encephalopathy, 36. Last evaluated: 2021-08-18. Review status: criteria provided, single submitter. Criteria: ACMG Guidelines, 2015. Collection method: clinical testing. Allele origin: unknown.

GeneDx
Classification: Likely benign. Last evaluated: 2017-07-05. Review status: criteria provided, single submitter. Criteria: GeneDx Variant Classification (06012015). Collection method: clinical testing. Allele origin: germline. Affected: yes.
Comment: This variant is considered likely benign or benign based on one or more of the following criteria: it is a conservative change, it occurs at a poorly conserved position in the protein, it is predicted to be benign by multiple in silico algorithms, and/or has population frequency not consistent with disease.

NM_001099922.3(ALG13):c.886-19A>G

Gene: ALG13 (ALG13 UDP-N-acetylglucosaminyltransferase subunit; plus strand). Cytogenetic location: Xq23.
Variant type: single nucleotide variant.
Coding change: c.886-19A>G on transcript NM_001099922.3 (MANE Select); 19 bases into the intron before coding-DNA position 886, A replaced by G.
Molecular consequence: intron variant.
Genome position (GRCh38, 1-based): chrX:111,712,465, A>G. VCF-style: chrX-111712465-A-G. GRCh37 (hg19) VCF-style: chrX-110955693-A-G.
Other names: p.?; c.574-19A>G (NM_001257237.2, NM_001324293.1, NM_001257234.2 and 1 more transcripts); c.652-19A>G (NM_001257231.2); c.886-19A>G (NM_001324292.2).
Identifiers: ClinVar variation 510666 (VCV000510666.11), dbSNP rs773121084, ClinGen allele CA10493603.
Genomic context (GRCh38, chrX:111,712,465, plus strand): 5'-TAAAAATTTGTTGTGCTTGAAAAAACTACCTCCTAGCTACAGAATGTTTTTTAAAACTCA[A>G]TACACTATTTATGTTTAGGAAAGTGCTGGCCAGCTGGAAATAAGAGCTCTTTCTCTAATT-3'